The following is an entry in ClinVar:

NM_000545.8(HNF1A):c.1310-1G>A

Gene: HNF1A (HNF1 homeobox A; plus strand). Cytogenetic location: 12q24.31.
Variant type: single nucleotide variant.
Coding change: c.1310-1G>A on transcript NM_000545.8 (MANE Select); the canonical splice acceptor site of the intron before coding-DNA position 1310, G replaced by A.
Molecular consequence: splice acceptor variant. On other transcripts: intron variant (1).
Genome position (GRCh38, 1-based): chr12:120,997,473, G>A. VCF-style: chr12-120997473-G-A. GRCh37 (hg19) VCF-style: chr12-121435276-G-A.
Other names: c.1310-1G>A (NM_001306179.2); c.1309+731G>A (NM_001406915.1).
Identifiers: ClinVar variation 916727 (VCV000916727.3), dbSNP rs1877168655, ClinGen allele CA386969971.

ClinVar aggregate classification (germline): Likely pathogenic. Review status: criteria provided, multiple submitters, no conflicts (2 of 4 stars). 3 submissions from 3 submitters: Likely pathogenic (2). 1 of the submissions does not count toward it. Last evaluated 2024-04-24.

Conditions:
Maturity-onset diabetes of the young (MODY). Also called: Maturity onset diabetes mellitus in young. Identifiers: Orphanet 552, MedGen C0342276, MONDO:0018911, HP:0004904.
Diabetes mellitus. Also called: Diabetes mellitus (disease). Identifiers: MedGen C0011849, MONDO:0005015, HP:0000819.

Submissions (3):

Women's Health and Genetics/Laboratory Corporation of America, LabCorp
Classification: Likely pathogenic for Maturity-onset diabetes of the young. Last evaluated: 2024-04-24. Review status: criteria provided, single submitter. Criteria: LabCorp Variant Classification Summary - May 2015. Collection method: clinical testing. Allele origin: germline.
Comment: Variant summary: HNF1A c.1310-1G>A is located in a canonical splice-site and is predicted to affect mRNA splicing resulting in a significantly altered protein due to either exon skipping, shortening, or inclusion of intronic material. Several computational tools predict a significant impact on normal splicing: Four predict the variant abolishes the canonical 3' acceptor site. However, these predictions have yet to be confirmed by functional studies. The variant was absent in 246036 control chromosomes. c.1310-1G>A has been reported in the literature in at least one individual affected with type 1 diabetes (Marchand_2021). To our knowledge, no experimental evidence demonstrating an impact on protein function has been reported. The following publication has been ascertained in the context of this evaluation (PMID: 33538814). ClinVar contains an entry for this variant (Variation ID: 916727). Based on the evidence outlined above, the variant was classified as likely pathogenic.

Clinical Genomics, Uppaluri K&H Personalized Medicine Clinic
Classification: Likely pathogenic for Maturity-onset diabetes of the young. Review status: criteria provided, single submitter. Criteria: K & H Uppaluri Personalized Medicine Clinic Variant Classification & Assertion Criteria_Updated V.1. Collection method: research. Allele origin: unknown. Inheritance: Autosomal dominant inheritance.
Comment: Mutations in HNF1A gene can predispose to MODY3. It is associated with both micro and macrovascular complications of diabetes, especially cardiovascular complications. Associated with glucosuria. May respond well to sulfonylureas. However, more evidence is required to confer the association of this particular variant rs1877168655 with MODY3.

Constantin Polychronakos Laboratory, The Research Institute of the McGill University Health Centre
Classification: Pathogenic for Diabetes mellitus. Review status: no assertion criteria provided. Collection method: research. Allele origin: unknown. Inheritance: Autosomal dominant inheritance. Affected: yes. Study: T1DGC. Not counted in ClinVar's aggregate classification.
Comment: PVS1 PM2 PP3

Literature cited by the submitters: PubMed 33538814 (cited by Women's Health and Genetics/Laboratory Corporation of America, LabCorp); PubMed 31517624 (cited by Clinical Genomics, Uppaluri K&H Personalized Medicine Clinic); PubMed 32395877 (cited by Clinical Genomics, Uppaluri K&H Personalized Medicine Clinic); PubMed 35328643 (cited by Clinical Genomics, Uppaluri K&H Personalized Medicine Clinic); PubMed 35673428 (cited by Clinical Genomics, Uppaluri K&H Personalized Medicine Clinic).